The following is an entry in ClinVar:

ClinVar aggregate classification (germline): Conflicting classifications of pathogenicity. Review status: criteria provided, conflicting classifications (1 of 4 stars). 8 submissions from 8 submitters: Uncertain significance (1); Likely benign (7). Last evaluated 2026-08-01.

Conditions:
TTN-related disorder. Also called: TTN-related disorders; TTN-related condition; TTN-related disease.
Dilated cardiomyopathy 1G (CMD1G). Identifiers: Orphanet 154, MedGen C1858763, MONDO:0011400, OMIM 604145.
Autosomal recessive limb-girdle muscular dystrophy type 2J (LGMDR10). Also called: MUSCULAR DYSTROPHY, LIMB-GIRDLE, AUTOSOMAL RECESSIVE 10; Limb-girdle muscular dystrophy, type 2J. Identifiers: Orphanet 140922, MedGen C1837342, MONDO:0012127, OMIM 608807.

Allele frequency attached by ClinVar (database versions not stated): TOPMed 0.00008; gnomAD 0.00009; gnomAD exomes 0.00010; ExAC 0.00011; 1000 Genomes Project 0.00040; 1000 Genomes Project 30x 0.00047.
gnomAD v4.1: 223 of 1,609,806 alleles (0.014%); highest among the groups gnomAD compares: Non-Finnish European, 0.018%; 1 homozygote.

Submissions (8):

CeGaT Center for Human Genetics Tuebingen
Classification: Likely benign. Last evaluated: 2026-08-01. Review status: criteria provided, single submitter. Criteria: CeGaT Center For Human Genetics Tuebingen Variant Classification Criteria Version 2. Collection method: clinical testing. Allele origin: germline. Affected: yes. Observed: 2 variant alleles.
Comment: TTN: BP4, BP7

PreventionGenetics, part of Exact Sciences
Classification: Likely benign for TTN-related condition. Last evaluated: 2026-07-30. Review status: criteria provided, single submitter. Criteria: ACMG Guidelines, 2015. Collection method: clinical testing. Allele origin: germline.
Comment: This variant is classified as likely benign based on ACMG/AMP sequence variant interpretation guidelines (Richards et al. 2015 PMID: 25741868, with internal and published modifications).

Labcorp Genetics (formerly Invitae), Labcorp
Classification: Likely benign for Dilated cardiomyopathy 1G; Autosomal recessive limb-girdle muscular dystrophy type 2J. Last evaluated: 2026-01-25. Review status: criteria provided, single submitter. Criteria: Invitae Variant Classification Sherloc (09022015). Collection method: clinical testing. Allele origin: germline.

Blueprint Genetics
Classification: Likely benign. Last evaluated: 2024-04-30. Review status: criteria provided, single submitter. Criteria: ACMG Guidelines, 2015. Collection method: clinical testing. Allele origin: germline.

Athena Diagnostics
Classification: Likely benign. Last evaluated: 2024-03-06. Review status: criteria provided, single submitter. Criteria: Athena Diagnostics Criteria. Collection method: clinical testing. Allele origin: unknown.

Women's Health and Genetics/Laboratory Corporation of America, LabCorp
Classification: Likely benign. Last evaluated: 2023-05-08. Review status: criteria provided, single submitter. Criteria: LabCorp Variant Classification Summary - May 2015. Collection method: clinical testing. Allele origin: germline.

GeneDx
Classification: Likely benign. Last evaluated: 2021-05-05. Review status: criteria provided, single submitter. Criteria: GeneDx Variant Classification Process June 2021. Collection method: clinical testing. Allele origin: germline. Affected: yes.

Eurofins Ntd Llc (ga)
Classification: Uncertain significance. Last evaluated: 2015-07-15. Review status: criteria provided, single submitter. Criteria: EGL Classification Definitions 2015. Collection method: clinical testing. Allele origin: germline. Observed: 3 variant alleles, 3 heterozygotes.

NM_001267550.2(TTN):c.31875A>C (p.Thr10625=)

Gene: TTN (titin; minus strand). Cytogenetic location: 2q31.2.
Variant type: single nucleotide variant.
Coding change: c.31875A>C on transcript NM_001267550.2 (MANE Select); coding-DNA position 31875, A replaced by C.
Protein change: p.Thr10625=; no amino-acid change (threonine 10625 retained).
Molecular consequence: synonymous variant. On other transcripts: intron variant (3).
Genome position (GRCh38, 1-based): chr2:178,689,567, T>G on the plus strand (A>C on the coding strand, the complement: TTN is on the minus strand). VCF-style: chr2-178689567-T-G. GRCh37 (hg19) VCF-style: chr2-179554294-T-G.
Other names: c.30924A>C, p.Thr10308= (NM_001256850.1); c.28143A>C, p.Thr9381= (NM_133378.4); c.13283-47250A>C (NM_003319.4); c.13859-47250A>C (NM_133437.4); c.13658-47250A>C (NM_133432.3); c.31875A>C (NM_001267550.1).
Identifiers: ClinVar variation 281993 (VCV000281993.34), dbSNP rs182934463, ClinGen allele CA1998815.
Genomic context (GRCh38, chr2:178,689,567, plus strand): 5'-TTAAGTACCTGCTGGTGGTGGAGATTCCTCTCTTTGAGTTACAATGGTTATTTTTTCTTC[T>G]GTCACAACTCCCTTCTGTACTTCAGGAACTTGAAGAGACATTTTTAGAATTGACTTTATA-3'
Protein context (NP_001254479.2, residues 10615-10635): KVPEVQKGVV[Thr10625=]EEKITIVTQR